The following is an entry in ClinVar:

NM_001281775.3(ZMYND8):c.2230C>T (p.Arg744Trp)

Gene: ZMYND8 (zinc finger MYND-type containing 8; minus strand). Cytogenetic location: 20q13.12.
Variant type: single nucleotide variant.
Coding change: c.2230C>T on transcript NM_001281775.3 (MANE Select); coding-DNA position 2230, C replaced by T.
Protein change: p.Arg744Trp; replaces arginine 744 with tryptophan.
Molecular consequence: missense variant.
Genome position (GRCh38, 1-based): chr20:47,246,062, G>A on the plus strand (C>T on the coding strand, the complement: ZMYND8 is on the minus strand). VCF-style: chr20-47246062-G-A. GRCh37 (hg19) VCF-style: chr20-45874806-G-A.
Other names: c.2170C>T, p.Arg724Trp (NM_001281774.3, NM_001363741.2, NM_001281772.3 and 1 more transcripts); c.2230C>T, p.Arg744Trp (NM_001281776.3, NM_001281783.3, NM_012408.6 and 1 more transcripts); c.2155C>T, p.Arg719Trp (NM_001281777.3, NM_001281778.3, NM_001281782.3 and 2 more transcripts); c.1426C>T, p.Arg476Trp (NM_001281779.3, NM_001281780.3); c.2014C>T, p.Arg672Trp (NM_001281781.3, NM_001281784.3); c.2251C>T, p.Arg751Trp (NM_001363714.1); short protein forms R744W, R476W, R751W, R724W, R672W, R719W.
Identifiers: ClinVar variation 2603676 (VCV002603676.6), dbSNP rs369749556, ClinGen allele CA9893469.

ClinVar aggregate classification (germline): Uncertain significance. Review status: criteria provided, multiple submitters, no conflicts (2 of 4 stars). 2 submissions from 2 submitters: Uncertain significance (2). Last evaluated 2025-12-17.

Allele frequency attached by ClinVar (database versions not stated): ESP Exome Variant Server 0.00008; ExAC 0.00001; gnomAD 0.00001; gnomAD exomes 0.00001; TOPMed 0.00001.
gnomAD v4.1: 13 of 1,613,242 alleles (0.00081%); highest among the groups gnomAD compares: East Asian, 0.0022%; no homozygotes.

Submissions (2):

Ambry Genetics
Classification: Uncertain significance. Last evaluated: 2025-12-17. Review status: criteria provided, single submitter. Criteria: Ambry Variant Classification Scheme 2023. Collection method: clinical testing. Allele origin: germline.

Labcorp Genetics (formerly Invitae), Labcorp
Classification: Uncertain significance. Last evaluated: 2023-05-01. Review status: criteria provided, single submitter. Criteria: Invitae Variant Classification Sherloc (09022015). Collection method: clinical testing. Allele origin: germline.
Comment: In summary, the available evidence is currently insufficient to determine the role of this variant in disease. Therefore, it has been classified as a Variant of Uncertain Significance. An algorithm developed to predict the effect of missense changes on protein structure and function (PolyPhen-2) suggests that this variant is likely to be disruptive. This sequence change replaces arginine, which is basic and polar, with tryptophan, which is neutral and slightly polar, at codon 719 of the ZMYND8 protein (p.Arg719Trp). This variant is present in population databases (rs369749556, gnomAD 0.002%). This variant has not been reported in the literature in individuals affected with ZMYND8-related conditions.